The following is an entry in ClinVar:

NM_003482.4(KMT2D):c.3018C>T (p.Gly1006=)

Gene: KMT2D (lysine methyltransferase 2D; minus strand). Cytogenetic location: 12q13.12.
Variant type: single nucleotide variant.
Coding change: c.3018C>T on transcript NM_003482.4 (MANE Select); coding-DNA position 3018, C replaced by T.
Protein change: p.Gly1006=; no amino-acid change (glycine 1006 retained).
Molecular consequence: synonymous variant.
Genome position (GRCh38, 1-based): chr12:49,050,570, G>A on the plus strand (C>T on the coding strand, the complement: KMT2D is on the minus strand). VCF-style: chr12-49050570-G-A. GRCh37 (hg19) VCF-style: chr12-49444353-G-A.
Identifiers: ClinVar variation 3029886 (VCV003029886.2), dbSNP rs1210825325, ClinGen allele CA479714146.

ClinVar aggregate classification (germline): Likely benign (0 of 4 stars; one submission).

Conditions:
KMT2D-related disorder. Also called: KMT2D-Related Disorders.

Allele frequency attached by ClinVar (database versions not stated): TOPMed below 0.00001; gnomAD 0.00001.
gnomAD v4.1: 1 of 1,603,990 alleles (0.000062%); highest among the groups gnomAD compares: East Asian, 0.0022%; no homozygotes.

Submission:

PreventionGenetics, part of Exact Sciences
Classification: Likely benign for KMT2D-related condition. Last evaluated: 2022-12-13. Review status: no assertion criteria provided. Collection method: clinical testing. Allele origin: germline.
Comment: This variant is classified as likely benign based on ACMG/AMP sequence variant interpretation guidelines (Richards et al. 2015 PMID: 25741868, with internal and published modifications).